The following is an entry in ClinVar:

NM_001191061.2(SLC25A22):c.55G>A (p.Gly19Arg)

Gene: SLC25A22 (solute carrier family 25 member 22; minus strand). Cytogenetic location: 11p15.5.
Variant type: single nucleotide variant.
Coding change: c.55G>A on transcript NM_001191061.2 (MANE Select); coding-DNA position 55, G replaced by A.
Protein change: p.Gly19Arg; replaces glycine 19 with arginine.
Molecular consequence: missense variant.
Genome position (GRCh38, 1-based): chr11:794,867, C>T on the plus strand (G>A on the coding strand, the complement: SLC25A22 is on the minus strand). VCF-style: chr11-794867-C-T. GRCh37 (hg19) VCF-style: chr11-794867-C-T.
Other names: c.55G>A, p.Gly19Arg (NM_001191060.2, NM_024698.6); short protein forms G19R.
Identifiers: ClinVar variation 1254650 (VCV001254650.2), dbSNP rs780652429, ClinGen allele CA5789408.
Genomic context (GRCh38, chr11:794,867, plus strand): 5'-GGTTCTGCAGCCTGGTCTTGGCCAGGTCGATGGGAAACACGCAGGTGACACCGATCAGCC[C>T]GGCGATGCCGCCATTGATGAGCTTGGCTGGCAGGCTGTGTGGACAGGGGTGTCAGGACCG-3'
Protein context (NP_001177990.1, residues 9-29): PAKLINGGIA[Gly19Arg]LIGVTCVFPI

ClinVar aggregate classification (germline): Uncertain significance (1 of 4 stars; one submission).

gnomAD v4.1: 7 of 1,569,364 alleles (0.00045%); highest among the groups gnomAD compares: South Asian, 0.0012%; no homozygotes.

Submission:

GeneDx
Classification: Uncertain significance. Last evaluated: 2021-07-30. Review status: criteria provided, single submitter. Criteria: GeneDx Variant Classification Process June 2021. Collection method: clinical testing. Allele origin: germline. Affected: yes.
Comment: Not observed at significant frequency in large population cohorts (Lek et al., 2016); In silico analysis supports that this missense variant has a deleterious effect on protein structure/function; This variant is associated with the following publications: (PMID: 31054490)